The following is an entry in ClinVar:

ClinVar aggregate classification (germline): Pathogenic. Review status: criteria provided, multiple submitters, no conflicts (2 of 4 stars). 2 submissions from 2 submitters: Pathogenic (2). Last evaluated 2023-11-04.

Conditions:
Familial adenomatous polyposis 1 (FAP1). Also called: POLYPOSIS, ADENOMATOUS INTESTINAL; FAMILIAL ADENOMATOUS POLYPOSIS 1, ATTENUATED. Identifiers: MedGen C2713442, MONDO:0021056, OMIM 175100. Disease mechanism: loss of function.

Submissions (2):

Labcorp Genetics (formerly Invitae), Labcorp
Classification: Pathogenic for Familial adenomatous polyposis 1. Last evaluated: 2023-11-04. Review status: criteria provided, single submitter. Criteria: Invitae Variant Classification Sherloc (09022015). Collection method: clinical testing. Allele origin: germline.
Comment: This sequence change creates a premature translational stop signal (p.Ser2652Leufs*8) in the APC gene. While this is not anticipated to result in nonsense mediated decay, it is expected to disrupt the last 192 amino acid(s) of the APC protein. This variant is not present in population databases (gnomAD no frequency). This premature translational stop signal has been observed in individual(s) with polyposis (Invitae). ClinVar contains an entry for this variant (Variation ID: 1367761). This variant disrupts a region of the APC protein in which other variant(s) (p.Thr2654Argfs*5) have been determined to be pathogenic (PMID: 23159591; Invitae). This suggests that this is a clinically significant region of the protein, and that variants that disrupt it are likely to be disease-causing. For these reasons, this variant has been classified as Pathogenic.

Myriad Genetics, Inc.
Classification: Pathogenic for Familial adenomatous polyposis 1. Last evaluated: 2023-05-16. Review status: criteria provided, single submitter. Criteria: Myriad Autosomal Dominant, Autosomal Recessive and X-Linked Classification Criteria (2023). Collection method: clinical testing. Allele origin: unknown.
Comment: This variant is considered pathogenic. This variant creates a frameshift predicted to result in premature protein truncation.

Literature cited by the submitters: PubMed 23159591 (cited by Labcorp Genetics (formerly Invitae), Labcorp).

NM_000038.6(APC):c.7955del (p.Ser2652fs)

Gene: APC (APC regulator of Wnt signaling pathway; plus strand). Cytogenetic location: 5q22.2.
Variant type: Deletion.
Coding change: c.7955del on transcript NM_000038.6 (MANE Select); coding-DNA position 7955, one base deleted (C; older notation c.7955delC).
Protein change: p.Ser2652fs; shifts the reading frame from serine 2652.
Molecular consequence: frameshift variant.
Genome position (GRCh38, 1-based): chr5:112,843,549, C deleted. VCF-style (leftmost placement, unchanged base first): chr5-112843548-TC-T. GRCh37 (hg19) VCF-style: chr5-112179245-TC-T.
Other names: c.7955del, p.Ser2652fs (NM_001127510.3, NM_001354895.2); c.7901del, p.Ser2634fs (NM_001127511.3); c.8009del, p.Ser2670fs (NM_001354896.2); c.7985del, p.Ser2662fs (NM_001354897.2); c.7880del, p.Ser2627fs (NM_001354898.2); c.7871del, p.Ser2624fs (NM_001354899.2); c.7832del, p.Ser2611fs (NM_001354900.2); c.7778del, p.Ser2593fs (NM_001354901.2); and 5 more; short protein forms S2624fs, S2627fs, S2634fs, S2369fs, S2492fs, S2670fs, S2526fs, S2561fs.
Identifiers: ClinVar variation 1367761 (VCV001367761.7), dbSNP rs2149996933, ClinGen allele CA2573138680.